The following is an entry in ClinVar:

NM_000051.4(ATM):c.3217G>A (p.Val1073Ile)

Gene: ATM (ATM serine/threonine kinase; plus strand). Cytogenetic location: 11q22.3.
Variant type: single nucleotide variant.
Coding change: c.3217G>A on transcript NM_000051.4 (MANE Select); coding-DNA position 3217, G replaced by A.
Protein change: p.Val1073Ile; replaces valine 1073 with isoleucine.
Molecular consequence: missense variant.
Genome position (GRCh38, 1-based): chr11:108,272,785, G>A. VCF-style: chr11-108272785-G-A. GRCh37 (hg19) VCF-style: chr11-108143512-G-A.
Other names: c.3217G>A, p.Val1073Ile (NM_001351834.2); short protein forms V1073I.
Identifiers: ClinVar variation 1379766 (VCV001379766.8), dbSNP rs2135571488, ClinGen allele CA382515851.

ClinVar aggregate classification (germline): Uncertain significance (1 of 4 stars; one submission).

Conditions:
Ataxia-telangiectasia syndrome (AT). Also called: Cerebello-oculocutaneous telangiectasia; Immunodeficiency with ataxia telangiectasia; LOUIS-BAR SYNDROME; ATAXIA-TELANGIECTASIA, COMPLEMENTATION GROUP A; ATAXIA-TELANGIECTASIA, FRESNO VARIANT; Ataxia-telangiectasia, complementation group D. Identifiers: Orphanet 100, MedGen C0004135, MONDO:0008840, OMIM 208900.

Submission:

Labcorp Genetics (formerly Invitae), Labcorp
Classification: Uncertain significance for Ataxia-telangiectasia syndrome. Last evaluated: 2025-10-07. Review status: criteria provided, single submitter. Criteria: Invitae Variant Classification Sherloc (09022015). Collection method: clinical testing. Allele origin: germline.
Comment: This sequence change replaces valine, which is neutral and non-polar, with isoleucine, which is neutral and non-polar, at codon 1073 of the ATM protein (p.Val1073Ile). This variant is not present in population databases (gnomAD no frequency). This variant has not been reported in the literature in individuals affected with ATM-related conditions. ClinVar contains an entry for this variant (Variation ID: 1379766). Invitae Evidence Modeling of protein sequence and biophysical properties (such as structural, functional, and spatial information, amino acid conservation, physicochemical variation, residue mobility, and thermodynamic stability) indicates that this missense variant is not expected to disrupt ATM protein function with a negative predictive value of 95%. In summary, the available evidence is currently insufficient to determine the role of this variant in disease. Therefore, it has been classified as a Variant of Uncertain Significance.